The following is an entry in ClinVar:

NM_000535.7(PMS2):c.1933del (p.Tyr645fs)

Gene: PMS2 (PMS1 homolog 2, mismatch repair system component; minus strand). Cytogenetic location: 7p22.1.
Variant type: Deletion.
Coding change: c.1933del on transcript NM_000535.7 (MANE Select); coding-DNA position 1933, one base deleted (T; older notation c.1933delT).
Protein change: p.Tyr645fs; shifts the reading frame from tyrosine 645.
Molecular consequence: frameshift variant. On other transcripts: non-coding transcript variant (1), intron variant (1).
Genome position (GRCh38, 1-based): chr7:5,986,832, A deleted on the plus strand (T on the coding strand, the reverse complement: PMS2 is on the minus strand); the first of 2 consecutive A bases (chr7:5,986,832-5,986,833); deleting either gives the same sequence. VCF-style (leftmost placement, unchanged base first): chr7-5986831-TA-T. GRCh37 (hg19) VCF-style: chr7-6026462-TA-T.
Other names: c.1527delT, p.Tyr510Thrfs (NM_001018040.1); c.1528del, p.Tyr510fs (NM_001322003.2, NM_001322004.2, NM_001322005.2 and 16 more transcripts); c.1777del, p.Tyr593fs (NM_001322006.2, NM_001406870.1); c.1615del, p.Tyr539fs (NM_001322007.2, NM_001322008.2, NM_001406876.1 and 2 more transcripts); c.1372del, p.Tyr458fs (NM_001322010.2, NM_001406906.1, NM_001406907.1); c.1000del, p.Tyr334fs (NM_001322011.2, NM_001322012.2); c.1360del, p.Tyr454fs (NM_001322013.2, NM_001406909.1); c.1933del, p.Tyr645fs (NM_001322014.2, NM_001406871.1, NM_001406872.1); and 14 more; short protein forms Y334fs, Y388fs, Y454fs, Y458fs, Y474fs, Y487fs, Y490fs, Y510fs.
Identifiers: ClinVar variation 2674270 (VCV002674270.2), dbSNP rs2535710282, ClinGen allele CA2695198410.
Genomic context (GRCh38, chr7:5,986,831, plus strand): 5'-CTTAGTTCATCTTCGGCTGCTTGATTTTCTCCAGGACAAATCTTTGCCCTAAACTTCCTG[TA>T]ATTCTGTTCCCCTTCACTTTGCTGTGCTTCATGATGTAACTGCTTTATTCGTTTAGCTAA-3'

ClinVar aggregate classification (germline): Pathogenic. Review status: criteria provided, multiple submitters, no conflicts (2 of 4 stars). 2 submissions from 2 submitters: Pathogenic (2). Last evaluated 2025-07-22.

Conditions:
Lynch syndrome 4 (LYNCH4). Also called: Colorectal cancer, hereditary nonpolyposis, type 4; Hereditary non-polyposis colorectal cancer, type 4. Identifiers: Orphanet 144, MedGen C1838333, MONDO:0013699, OMIM 614337. Disease mechanism: loss of function.
Hereditary nonpolyposis colorectal neoplasms. Identifiers: MedGen C0009405, MeSH D003123.

Submissions (2):

Labcorp Genetics (formerly Invitae), Labcorp
Classification: Pathogenic for Hereditary nonpolyposis colorectal neoplasms. Last evaluated: 2025-07-22. Review status: criteria provided, single submitter. Criteria: Invitae Variant Classification Sherloc (09022015). Collection method: clinical testing. Allele origin: germline.
Comment: This sequence change creates a premature translational stop signal (p.Tyr645Thrfs*20) in the PMS2 gene. It is expected to result in an absent or disrupted protein product. Loss-of-function variants in PMS2 are known to be pathogenic (PMID: 21376568, 24362816). This variant is not present in population databases (gnomAD no frequency). This variant has not been reported in the literature in individuals affected with PMS2-related conditions. ClinVar contains an entry for this variant (Variation ID: 2674270). For these reasons, this variant has been classified as Pathogenic.

Myriad Genetics, Inc.
Classification: Pathogenic for Lynch syndrome 4. Last evaluated: 2023-09-21. Review status: criteria provided, single submitter. Criteria: Myriad Autosomal Dominant, Autosomal Recessive and X-Linked Classification Criteria (2023). Collection method: clinical testing. Allele origin: unknown.
Comment: This variant is considered pathogenic. This variant creates a frameshift predicted to result in premature protein truncation.

Literature cited by the submitters: PubMed 21376568 (cited by Labcorp Genetics (formerly Invitae), Labcorp); PubMed 24362816 (cited by Labcorp Genetics (formerly Invitae), Labcorp).